The following is an entry in ClinVar:

ClinVar aggregate classification (germline): Likely pathogenic (1 of 4 stars; one submission).

Conditions:
Camptomelic dysplasia (CMPD). Also called: CMPD1/SRA1; Campomelic Dysplasia. Identifiers: Orphanet 140, MedGen C1861922, MONDO:0007251, OMIM 114290.

Submission:

Labcorp Genetics (formerly Invitae), Labcorp
Classification: Likely pathogenic for Camptomelic dysplasia. Last evaluated: 2022-08-19. Review status: criteria provided, single submitter. Criteria: Invitae Variant Classification Sherloc (09022015). Collection method: clinical testing. Allele origin: germline.
Comment: Advanced modeling of protein sequence and biophysical properties (such as structural, functional, and spatial information, amino acid conservation, physicochemical variation, residue mobility, and thermodynamic stability) performed at Invitae indicates that this missense variant is expected to disrupt SOX9 protein function. In summary, the currently available evidence indicates that the variant is pathogenic, but additional data are needed to prove that conclusively. Therefore, this variant has been classified as Likely Pathogenic. This variant disrupts the p.Met113 amino acid residue in SOX9. Other variant(s) that disrupt this residue have been determined to be pathogenic (PMID: 20513132). This suggests that this residue is clinically significant, and that variants that disrupt this residue are likely to be disease-causing. This missense change has been observed in individual(s) with clinical features of campomelic dysplasia (PMID: 32381727). This variant is not present in population databases (gnomAD no frequency). This sequence change replaces methionine, which is neutral and non-polar, with leucine, which is neutral and non-polar, at codon 113 of the SOX9 protein (p.Met113Leu).

Literature cited by the submitters: PubMed 20513132; PubMed 32381727.

NM_000346.4(SOX9):c.337A>T (p.Met113Leu)

Genes: SOX9 (SRY-box transcription factor 9; plus strand), LOC108021846 (SOX9 promoter region; plus strand). Cytogenetic location: 17q24.3.
Variant type: single nucleotide variant.
Coding change: c.337A>T on transcript NM_000346.4 (MANE Select); coding-DNA position 337, A replaced by T.
Protein change: p.Met113Leu; replaces methionine 113 with leucine.
Molecular consequence: missense variant.
Genome position (GRCh38, 1-based): chr17:72,121,728, A>T. VCF-style: chr17-72121728-A-T. GRCh37 (hg19) VCF-style: chr17-70117869-A-T.
Other names: short protein forms M113L.
Identifiers: ClinVar variation 1992803 (VCV001992803.4), dbSNP rs2143240089, ClinGen allele CA400866046.